The following is an entry in ClinVar:

NM_022041.4(GAN):c.46C>T (p.Leu16=)

Genes: GAN (gigaxonin; plus strand), LOC130059498 (ATAC-STARR-seq lymphoblastoid silent region 7753; plus strand). Cytogenetic location: 16q23.2.
Variant type: single nucleotide variant.
Coding change: c.46C>T on transcript NM_022041.4 (MANE Select); coding-DNA position 46, C replaced by T.
Protein change: p.Leu16=; no amino-acid change (leucine 16 retained).
Molecular consequence: synonymous variant. On other transcripts: 5 prime UTR variant (1).
Genome position (GRCh38, 1-based): chr16:81,315,159, C>T. VCF-style: chr16-81315159-C-T. GRCh37 (hg19) VCF-style: chr16-81348764-C-T.
Other names: p.Leu16=; c.-479C>T (NM_001377486.1).
Identifiers: ClinVar variation 320649 (VCV000320649.59), dbSNP rs77470936, ClinGen allele CA8191239.

ClinVar aggregate classification (germline): Benign/Likely benign. Review status: criteria provided, multiple submitters, no conflicts (2 of 4 stars). 9 submissions from 9 submitters: Benign (7); Likely benign (1). 1 of the submissions does not count toward it. Last evaluated 2026-08-01.

Conditions:
GAN-related disorder. Also called: GAN-related condition.
Giant axonal neuropathy 1 (GAN1). Also called: GAN-Related Neurodegeneration; GIANT AXONAL NEUROPATHY 1, AUTOSOMAL RECESSIVE. Identifiers: Orphanet 643, MedGen C1850386, MONDO:0009749, OMIM 256850.
Inborn genetic diseases. Identifiers: MedGen C0950123, MeSH D030342.

Allele frequency attached by ClinVar (database versions not stated): 1000 Genomes Project 30x 0.00484; 1000 Genomes Project 0.00499; ESP Exome Variant Server 0.00977; gnomAD 0.00980 and 0.00993; TOPMed 0.00988; gnomAD exomes 0.01056 and 0.01181; ExAC 0.02313.

Submissions (9):

CeGaT Center for Human Genetics Tuebingen
Classification: Benign. Last evaluated: 2026-08-01. Review status: criteria provided, single submitter. Criteria: CeGaT Center For Human Genetics Tuebingen Variant Classification Criteria Version 2. Collection method: clinical testing. Allele origin: germline. Affected: yes. Observed: 55 variant alleles.
Comment: GAN: BP4, BP7, BS1, BS2

Labcorp Genetics (formerly Invitae), Labcorp
Classification: Benign for Giant axonal neuropathy 1. Last evaluated: 2026-02-02. Review status: criteria provided, single submitter. Criteria: Invitae Variant Classification Sherloc (09022015). Collection method: clinical testing. Allele origin: germline.

ARUP Laboratories, Molecular Genetics and Genomics, ARUP Laboratories
Classification: Benign for Giant axonal neuropathy 1. Last evaluated: 2025-07-08. Review status: criteria provided, single submitter. Criteria: ARUP Molecular Germline Variant Investigation Process 2024. Collection method: clinical testing. Allele origin: germline.

Ambry Genetics
Classification: Likely benign for Inborn genetic diseases. Last evaluated: 2019-07-11. Review status: criteria provided, single submitter. Criteria: Ambry Variant Classification Scheme 2023. Collection method: clinical testing. Allele origin: germline.

Illumina Laboratory Services, Illumina
Classification: Benign for Giant axonal neuropathy 1. Last evaluated: 2018-01-13. Review status: criteria provided, single submitter. Criteria: ICSL Variant Classification Criteria 13 December 2019. Collection method: clinical testing. Allele origin: germline.
Comment: This variant was observed in the ICSL laboratory as part of a predisposition screen in an ostensibly healthy population. It had not been previously curated by ICSL or reported in the Human Gene Mutation Database (HGMD: prior to June 1st, 2018), and was therefore a candidate for classification through an automated scoring system. Utilizing variant allele frequency, disease prevalence and penetrance estimates, and inheritance mode, an automated score was calculated to assess if this variant is too frequent to cause the disease. Based on the score and internal cut-off values, a variant classified as benign is not then subjected to further curation. The score for this variant resulted in a classification of benign for this disease.

Mayo Clinic Laboratories, Mayo Clinic
Classification: Benign. Last evaluated: 2016-04-14. Review status: criteria provided, single submitter. Criteria: ACMG Guidelines, 2015. Collection method: clinical testing. Allele origin: germline. Observed: 53 variant alleles.

GeneDx
Classification: Benign. Last evaluated: 2015-03-03. Review status: criteria provided, single submitter. Criteria: GeneDx Variant Classification Process June 2021. Collection method: clinical testing. Allele origin: germline. Affected: yes.

Breakthrough Genomics
Classification: Benign. Review status: criteria provided, single submitter. Criteria: ACMG Guidelines, 2015. Collection method: not provided. Allele origin: germline. Inheritance: Autosomal recessive inheritance. Affected: yes.

PreventionGenetics, part of Exact Sciences
Classification: Benign for GAN-related condition. Last evaluated: 2019-03-01. Review status: no assertion criteria provided. Collection method: clinical testing. Allele origin: germline. Not counted in ClinVar's aggregate classification.
Comment: This variant is classified as benign based on ACMG/AMP sequence variant interpretation guidelines (Richards et al. 2015 PMID: 25741868, with internal and published modifications).